The following is an entry in ClinVar:

ClinVar aggregate classification (germline): Likely benign. Review status: criteria provided, multiple submitters, no conflicts (2 of 4 stars). 2 submissions from 2 submitters: Likely benign (2). Last evaluated 2026-01-05.

Allele frequency attached by ClinVar (database versions not stated): gnomAD exomes 0.00004 and 0.00023; TOPMed 0.00007; gnomAD 0.00008 and 0.00015; 1000 Genomes Project 0.00100; ExAC 0.00009; 1000 Genomes Project 30x 0.00094.
gnomAD v4.1: 87 of 1,517,250 alleles (0.0057%); highest among the groups gnomAD compares: East Asian, 0.18%; no homozygotes.

Submissions (2):

Labcorp Genetics (formerly Invitae), Labcorp
Classification: Likely benign. Last evaluated: 2026-01-05. Review status: criteria provided, single submitter. Criteria: Invitae Variant Classification Sherloc (09022015). Collection method: clinical testing. Allele origin: germline.

CeGaT Center for Human Genetics Tuebingen
Classification: Likely benign. Last evaluated: 2022-08-01. Review status: criteria provided, single submitter. Criteria: CeGaT Center For Human Genetics Tuebingen Variant Classification Criteria Version 2. Collection method: clinical testing. Allele origin: germline. Affected: yes. Observed: 1 variant allele.
Comment: FAM20C: BP4

NM_020223.4(FAM20C):c.1739C>T (p.Ala580Val)

Gene: FAM20C (FAM20C golgi associated secretory pathway kinase; plus strand). Cytogenetic location: 7p22.3.
Variant type: single nucleotide variant.
Coding change: c.1739C>T on transcript NM_020223.4 (MANE Select); coding-DNA position 1739, C replaced by T.
Protein change: p.Ala580Val; replaces alanine 580 with valine.
Molecular consequence: missense variant.
Genome position (GRCh38, 1-based): chr7:259,964, C>T. VCF-style: chr7-259964-C-T. GRCh37 (hg19) VCF-style: chr7-299930-C-T.
Other names: short protein forms A580V.
Identifiers: ClinVar variation 1131479 (VCV001131479.32), dbSNP rs554371375, ClinGen allele CA4109229.